The following is an entry in ClinVar:

ClinVar aggregate classification (germline): Uncertain significance (1 of 4 stars; one submission).

Submission:

GeneDx
Classification: Uncertain significance. Last evaluated: 2017-07-28. Review status: criteria provided, single submitter. Criteria: GeneDx Variant Classification (06012015). Collection method: clinical testing. Allele origin: germline. Affected: yes.
Comment: The D1829V variant has not been published as a pathogenic variant, nor has it been reported as a benign variant to our knowledge. This variant is not observed in large population cohorts (Lek et al., 2016; 1000 Genomes Consortium et al., 2015; Exome Variant Server). The D1829V variant is a non-conservative amino acid substitution that occurs at a position that is conserved across species, and in silico analysis predicts this variant is probably damaging to the protein structure/function. Therefore, based on the currently available information, it is unclear whether this variant is a pathogenic variant or a rare benign variant.

NM_012330.4(KAT6B):c.5486A>T (p.Asp1829Val)

Gene: KAT6B (lysine acetyltransferase 6B; plus strand). Cytogenetic location: 10q22.2.
Variant type: single nucleotide variant.
Coding change: c.5486A>T on transcript NM_012330.4 (MANE Select); coding-DNA position 5486, A replaced by T.
Protein change: p.Asp1829Val; replaces aspartic acid 1829 with valine.
Molecular consequence: missense variant.
Genome position (GRCh38, 1-based): chr10:75,030,310, A>T. VCF-style: chr10-75030310-A-T. GRCh37 (hg19) VCF-style: chr10-76790068-A-T.
Other names: c.4937A>T, p.Asp1646Val (NM_001256468.2, NM_001370138.1); c.4610A>T, p.Asp1537Val (NM_001256469.2, NM_001370139.1, NM_001370140.1 and 2 more transcripts); c.4448A>T, p.Asp1483Val (NM_001370132.1); c.3797A>T, p.Asp1266Val (NM_001370133.1); c.3401A>T, p.Asp1134Val (NM_001370134.1); c.3143A>T, p.Asp1048Val (NM_001370135.1); c.5486A>T, p.Asp1829Val (NM_001370136.1, NM_001370137.1); c.4421A>T, p.Asp1474Val (NM_001370143.1, NM_001370144.1); short protein forms D1829V, D1048V, D1646V, D1134V, D1266V, D1474V, D1537V, D1483V.
Identifiers: ClinVar variation 450900 (VCV000450900.2), dbSNP rs1554846433, ClinGen allele CA377301375.
Genomic context (GRCh38, chr10:75,030,310, plus strand): 5'-CGCAGCCGTCAGCCACCTTCAGCCTTGCCAAACTGCAGCAGTTAACTAATACACTTATTG[A>T]TCATTCATTGCCTTACAGCCATTCCGCTGCTGTGACTTCCTATGCAAACAGTGCCTCTTT-3'
Protein context (NP_036462.2, residues 1819-1839): KLQQLTNTLI[Asp1829Val]HSLPYSHSAA